The following is an entry in ClinVar:

NM_175914.5(HNF4A):c.427-16C>T

Gene: HNF4A (hepatocyte nuclear factor 4 alpha; plus strand). Cytogenetic location: 20q13.12.
Variant type: single nucleotide variant.
Coding change: c.427-16C>T on transcript NM_175914.5 (MANE Select); 16 bases into the intron before coding-DNA position 427, C replaced by T.
Molecular consequence: intron variant.
Genome position (GRCh38, 1-based): chr20:44,414,491, C>T. VCF-style: chr20-44414491-C-T. GRCh37 (hg19) VCF-style: chr20-43043131-C-T.
Other names: c.418-16C>T (NM_001287182.2, NM_001287183.2, NM_001287184.2); c.427-16C>T (NM_001030003.3, NM_001030004.3); c.472-16C>T (NM_001258355.2); c.493-16C>T (NM_178849.3, NM_000457.6, NM_178850.3).
Identifiers: ClinVar variation 995123 (VCV000995123.6), dbSNP rs535994220, ClinGen allele CA9870266.

ClinVar aggregate classification (germline): Benign/Likely benign. Review status: criteria provided, multiple submitters, no conflicts (2 of 4 stars). 3 submissions from 3 submitters: Benign (1); Likely benign (2). Last evaluated 2022-05-03.

Conditions:
Maturity-onset diabetes of the young (MODY). Also called: Maturity onset diabetes mellitus in young. Identifiers: Orphanet 552, MedGen C0342276, MONDO:0018911, HP:0004904.

Allele frequency attached by ClinVar (database versions not stated): gnomAD exomes below 0.00001 and 0.00001; TOPMed 0.00006; gnomAD 0.00007 and 0.00006; 1000 Genomes Project 30x 0.00031; ExAC 0.00002; 1000 Genomes Project 0.00040.
gnomAD v4.1: 15 of 1,614,232 alleles (0.00093%); highest among the groups gnomAD compares: African/African-American, 0.019%; no homozygotes.

Submissions (3):

Labcorp Genetics (formerly Invitae), Labcorp
Classification: Likely benign. Last evaluated: 2022-05-03. Review status: criteria provided, single submitter. Criteria: Invitae Variant Classification Sherloc (09022015). Collection method: clinical testing. Allele origin: germline.

Athena Diagnostics
Classification: Likely benign. Last evaluated: 2020-02-27. Review status: criteria provided, single submitter. Criteria: Athena Diagnostics Criteria. Collection method: clinical testing. Allele origin: unknown.

Clinical Genomics, Uppaluri K&H Personalized Medicine Clinic
Classification: Benign for Maturity-onset diabetes of the young. Review status: criteria provided, single submitter. Criteria: K & H Uppaluri Personalized Medicine Clinic Variant Classification & Assertion Criteria_Updated V.1. Collection method: research. Allele origin: unknown. Inheritance: Autosomal dominant inheritance.
Comment: Potent mutations in HNF4A are associated with poor insulin secretion in response to hyperglycemia. Associated with MODY1. Patients initially respond well to sulfonylureas but eventually become insulin dependent. However, more evidence is required to ascertain the role of this particular variant rs535994220 in MODY, yet.

Literature cited by the submitters: PubMed 18268044 (cited by Clinical Genomics, Uppaluri K&H Personalized Medicine Clinic); PubMed 17563455 (cited by Clinical Genomics, Uppaluri K&H Personalized Medicine Clinic); PubMed 32583173 (cited by Clinical Genomics, Uppaluri K&H Personalized Medicine Clinic); PubMed 35052457 (cited by Clinical Genomics, Uppaluri K&H Personalized Medicine Clinic); PubMed 35118593 (cited by Clinical Genomics, Uppaluri K&H Personalized Medicine Clinic); DOI 10.1159/000334532 (cited by Clinical Genomics, Uppaluri K&H Personalized Medicine Clinic).